The following is an entry in ClinVar:

ClinVar aggregate classification (germline): Uncertain significance. Review status: criteria provided, multiple submitters, no conflicts (2 of 4 stars). 4 submissions from 4 submitters: Uncertain significance (4). Last evaluated 2024-12-22.

Conditions:
Aortic aneurysm, familial thoracic 4 (AAT4). Also called: AORTIC ANEURYSM/AORTIC DISSECTION AND PATENT DUCTUS ARTERIOSUS. Identifiers: MedGen C1851504, MONDO:0007568, OMIM 132900.
Familial thoracic aortic aneurysm and aortic dissection (TAAD). Also called: Thoracic aortic aneurysms and dissections. Identifiers: Orphanet 91387, MedGen C4707243, MONDO:0019625.

Allele frequency attached by ClinVar (database versions not stated): TOPMed 0.00001.

Submissions (4):

Labcorp Genetics (formerly Invitae), Labcorp
Classification: Uncertain significance for Aortic aneurysm, familial thoracic 4. Last evaluated: 2024-12-22. Review status: criteria provided, single submitter. Criteria: Invitae Variant Classification Sherloc (09022015). Collection method: clinical testing. Allele origin: germline.
Comment: This sequence change replaces proline, which is neutral and non-polar, with threonine, which is neutral and polar, at codon 39 of the MYH11 protein (p.Pro39Thr). This variant is present in population databases (rs761131497, gnomAD 0.0009%). This variant has not been reported in the literature in individuals affected with MYH11-related conditions. ClinVar contains an entry for this variant (Variation ID: 921623). Invitae Evidence Modeling of protein sequence and biophysical properties (such as structural, functional, and spatial information, amino acid conservation, physicochemical variation, residue mobility, and thermodynamic stability) indicates that this missense variant is not expected to disrupt MYH11 protein function with a negative predictive value of 95%. In summary, the available evidence is currently insufficient to determine the role of this variant in disease. Therefore, it has been classified as a Variant of Uncertain Significance.

All of Us Research Program, National Institutes of Health
Classification: Uncertain significance for Familial thoracic aortic aneurysm and aortic dissection. Last evaluated: 2024-07-20. Review status: criteria provided, single submitter. Criteria: ACMG Guidelines, 2015. Collection method: clinical testing. Allele origin: germline. Inheritance: Autosomal dominant inheritance. Observed: 4 variant alleles, 4 heterozygotes.
Comment: Variant of Uncertain Significance due to insufficient evidence: This missense variant is located in the N-terminal SH3-like domain of the MYH11 protein. Computational prediction tools and conservation analyses suggest that this variant may have deleterious impact on the protein function. Computational splicing tools suggest that this variant may not impact RNA splicing. To our knowledge, functional assays have not been performed for this variant nor has this variant been reported in individuals affected with cardiovascular disorders in the literature. This variant has been identified in 1/245494 chromosomes in the general population by the Genome Aggregation Database (gnomAD). Available evidence is insufficient to determine the pathogenicity of this variant conclusively.

This study involves interpretation of variants in research participants for the purpose of population health screening. Participant phenotype was not available at the time of variant classification. Additional details can be found in publication PMID: 35346344, PMCID: PMC8962531

Color Diagnostics, LLC DBA Color Health
Classification: Uncertain significance for Familial thoracic aortic aneurysm and aortic dissection. Last evaluated: 2024-03-06. Review status: criteria provided, single submitter. Criteria: ACMG Guidelines, 2015. Collection method: clinical testing. Allele origin: germline.
Comment: This missense variant replaces proline with threonine at codon 39 of the MYH11 protein. Computational prediction is inconclusive regarding the impact of this variant on protein structure and function (internally defined REVEL score threshold 0.5 < inconclusive < 0.7, PMID: 27666373). To our knowledge, functional studies have not been reported for this variant. This variant has not been reported in individuals affected with MYH11-related disorders in the literature. This variant has been identified in 1/250726 chromosomes in the general population by the Genome Aggregation Database (gnomAD). The available evidence is insufficient to determine the role of this variant in disease conclusively. Therefore, this variant is classified as a Variant of Uncertain Significance.

Ambry Genetics
Classification: Uncertain significance for Familial thoracic aortic aneurysm and aortic dissection. Last evaluated: 2023-10-12. Review status: criteria provided, single submitter. Criteria: Ambry Variant Classification Scheme 2023. Collection method: clinical testing. Allele origin: germline.
Comment: The p.P39T variant (also known as c.115C>A), located in coding exon 1 of the MYH11 gene, results from a C to A substitution at nucleotide position 115. The proline at codon 39 is replaced by threonine, an amino acid with highly similar properties. This amino acid position is conserved. In addition, the in silico prediction for this alteration is inconclusive. Since supporting evidence is limited at this time, the clinical significance of this alteration remains unclear.

NM_002474.3(MYH11):c.115C>A (p.Pro39Thr)

Gene: MYH11 (myosin heavy chain 11; minus strand). Cytogenetic location: 16p13.11.
Variant type: single nucleotide variant.
Coding change: c.115C>A on transcript NM_002474.3 (MANE Select); coding-DNA position 115, C replaced by A.
Protein change: p.Pro39Thr; replaces proline 39 with threonine.
Molecular consequence: missense variant.
Genome position (GRCh38, 1-based): chr16:15,838,138, G>T on the plus strand (C>A on the coding strand, the complement: MYH11 is on the minus strand). VCF-style: chr16-15838138-G-T. GRCh37 (hg19) VCF-style: chr16-15931995-G-T.
Other names: c.115C>A, p.Pro39Thr (NM_001040113.2, NM_001040114.2, NM_022844.3); c.115C>A (NM_002474.2); short protein forms P39T.
Identifiers: ClinVar variation 921623 (VCV000921623.10), dbSNP rs761131497, ClinGen allele CA7923118.